The following is an entry in ClinVar:

ClinVar aggregate classification (germline): Likely benign (0 of 4 stars; one submission).

Conditions:
TENM4-related disorder. Also called: TENM4-related condition.

Allele frequency attached by ClinVar (database versions not stated): gnomAD 0.00030; TOPMed 0.00038; ESP Exome Variant Server 0.00039; ExAC 0.00047.
gnomAD v4.1: 835 of 1,566,796 alleles (0.053%); highest among the groups gnomAD compares: Non-Finnish European, 0.063%; no homozygotes.

Submission:

PreventionGenetics, part of Exact Sciences
Classification: Likely benign for TENM4-related condition. Last evaluated: 2024-02-17. Review status: no assertion criteria provided. Collection method: clinical testing. Allele origin: germline.
Comment: This variant is classified as likely benign based on ACMG/AMP sequence variant interpretation guidelines (Richards et al. 2015 PMID: 25741868, with internal and published modifications).

NM_001098816.3(TENM4):c.1979-9A>T

Gene: TENM4 (teneurin transmembrane protein 4; minus strand). Cytogenetic location: 11q14.1.
Variant type: single nucleotide variant.
Coding change: c.1979-9A>T on transcript NM_001098816.3 (MANE Select); 9 bases into the intron before coding-DNA position 1979, A replaced by T.
Molecular consequence: intron variant.
Genome position (GRCh38, 1-based): chr11:78,805,501, T>A on the plus strand (A>T on the coding strand, the complement: TENM4 is on the minus strand). VCF-style: chr11-78805501-T-A. GRCh37 (hg19) VCF-style: chr11-78516546-T-A.
Identifiers: ClinVar variation 3048886 (VCV003048886.2), dbSNP rs377555328, ClinGen allele CA6207472.